The following is an entry in ClinVar:

NM_017433.5(MYO3A):c.1448A>G (p.Asn483Ser)

Gene: MYO3A (myosin IIIA; plus strand). Cytogenetic location: 10p12.1.
Variant type: single nucleotide variant.
Coding change: c.1448A>G on transcript NM_017433.5 (MANE Select); coding-DNA position 1448, A replaced by G.
Protein change: p.Asn483Ser; replaces asparagine 483 with serine.
Molecular consequence: missense variant.
Genome position (GRCh38, 1-based): chr10:26,088,291, A>G. VCF-style: chr10-26088291-A-G. GRCh37 (hg19) VCF-style: chr10-26377220-A-G.
Other names: short protein forms N483S.
Identifiers: ClinVar variation 1710758 (VCV001710758.2), dbSNP rs375303036, ClinGen allele CA204360236.

ClinVar aggregate classification (germline): Uncertain significance (1 of 4 stars; one submission).

Allele frequency attached by ClinVar (database versions not stated): gnomAD exomes below 0.00001; TOPMed 0.00002; ESP Exome Variant Server 0.00008.
gnomAD v4.1: 1 of 1,613,828 alleles (0.000062%); highest among the groups gnomAD compares: Non-Finnish European, 0.000085%; no homozygotes.

Submission:

GeneDx
Classification: Uncertain significance. Last evaluated: 2022-04-15. Review status: criteria provided, single submitter. Criteria: GeneDx Variant Classification Process June 2021. Collection method: clinical testing. Allele origin: germline. Affected: yes.
Comment: Not observed at significant frequency in large population cohorts (gnomAD); In silico analysis supports that this missense variant has a deleterious effect on protein structure/function; Has not been previously published as pathogenic or benign to our knowledge